The following is an entry in ClinVar:

ClinVar aggregate classification (germline): Likely benign (0 of 4 stars; one submission).

Conditions:
KCNQ1-related disorder. Also called: KCNQ1-related condition; KCNQ1-related disorders. Identifiers: MedGen CN239322.

Submission:

PreventionGenetics, part of Exact Sciences
Classification: Likely benign for KCNQ1-related condition. Last evaluated: 2022-03-21. Review status: no assertion criteria provided. Collection method: clinical testing. Allele origin: germline.
Comment: This variant is classified as likely benign based on ACMG/AMP sequence variant interpretation guidelines (Richards et al. 2015 PMID: 25741868, with internal and published modifications).

NM_000218.3(KCNQ1):c.1393+31359_1393+31360insA

Genes: KCNQ1 (potassium voltage-gated channel subfamily Q member 1; plus strand), KCNQ1OT1 (KCNQ1 opposite strand/antisense transcript 1; minus strand). Cytogenetic location: 11p15.5.
Variant type: Insertion.
Coding change: c.1393+31359_1393+31360insA on transcript NM_000218.3 (MANE Select); bases 31359 to 31360 of the intron after coding-DNA position 1393, A inserted.
Molecular consequence: intron variant. On other transcripts: non-coding transcript variant (1).
Genome position: GRCh38 VCF-style: chr11-2620213-T-TA. GRCh37 (hg19) VCF-style: chr11-2641443-T-TA.
Other names: c.1123+31359_1123+31360insA (NM_001406837.1); c.1297+31359_1297+31360insA (NM_001406836.1); c.853+31359_853+31360insA (NM_001406838.1); c.1012+31359_1012+31360insA (NM_181798.2).
Identifiers: ClinVar variation 3037665 (VCV003037665.2), dbSNP rs1305943444, ClinGen allele CA597432576.
Genomic context (GRCh38, chr11:2,620,213, plus strand): 5'-CCTCTAGCTGCATCCATGTTGCTGCAAAGGACGTAAGTTCATTCATGTATATATATATAT[T>TA]TTTTTTTTTTATTTTTTTTTTAGACGGAGTTTCGCTCTTGTTGCCCAGGCTGGAGGGCAA-3'